The following is an entry in ClinVar:

ClinVar aggregate classification (germline): Uncertain significance (1 of 4 stars; one submission).

Allele frequency attached by ClinVar (database versions not stated): gnomAD exomes below 0.00001; TOPMed below 0.00001.
gnomAD v4.1: 1 of 398,446 alleles (0.00025%); highest among the groups gnomAD compares: Non-Finnish European, 0.00044%; no homozygotes.

Submission:

CeGaT Center for Human Genetics Tuebingen
Classification: Uncertain significance. Last evaluated: 2024-03-01. Review status: criteria provided, single submitter. Criteria: CeGaT Center For Human Genetics Tuebingen Variant Classification Criteria Version 2. Collection method: clinical testing. Allele origin: germline. Affected: yes. Observed: 1 variant allele.
Comment: KCNQ1OT1: PM2

NM_000218.3(KCNQ1):c.1394-34811G>C

Genes: KCNQ1 (potassium voltage-gated channel subfamily Q member 1; plus strand), KCNQ1OT1 (KCNQ1 opposite strand/antisense transcript 1; minus strand). Cytogenetic location: 11p15.5.
Variant type: single nucleotide variant.
Coding change: c.1394-34811G>C on transcript NM_000218.3 (MANE Select); 34811 bases into the intron before coding-DNA position 1394, G replaced by C.
Molecular consequence: intron variant. On other transcripts: non-coding transcript variant (1).
Genome position (GRCh38, 1-based): chr11:2,627,150, G>C. VCF-style: chr11-2627150-G-C. GRCh37 (hg19) VCF-style: chr11-2648380-G-C.
Other names: c.1124-34811G>C (NM_001406837.1); c.1298-34811G>C (NM_001406836.1); c.854-34811G>C (NM_001406838.1); c.1013-34811G>C (NM_181798.2).
Identifiers: ClinVar variation 3067766 (VCV003067766.21), dbSNP rs1849274453, ClinGen allele CA472146115.